The following is an entry in ClinVar:

NM_000294.3(PHKG2):c.1137T>C (p.Pro379=)

Gene: PHKG2 (phosphorylase kinase catalytic subunit gamma 2; plus strand). Cytogenetic location: 16p11.2.
Variant type: single nucleotide variant.
Coding change: c.1137T>C on transcript NM_000294.3 (MANE Select); coding-DNA position 1137, T replaced by C.
Protein change: p.Pro379=; no amino-acid change (proline 379 retained).
Molecular consequence: synonymous variant. On other transcripts: intron variant (1).
Genome position (GRCh38, 1-based): chr16:30,757,013, T>C. VCF-style: chr16-30757013-T-C. GRCh37 (hg19) VCF-style: chr16-30768334-T-C.
Other names: c.1083+54T>C (NM_001172432.2).
Identifiers: ClinVar variation 255780 (VCV000255780.53), dbSNP rs61731628, ClinGen allele CA8013420.
Genomic context (GRCh38, chr16:30,757,013, plus strand): 5'-GCACTGGGTAAAGAAAGGGGAGCAGCAGAACCGGGCGGCTCTCTTTCAGCACCGGCCCCC[T>C]GGGCCTTTTCCCATCATGGGCCCTGAAGAGGAGGGAGACTCTGCTGCTATAACTGAGGAT-3'
Protein context (NP_000285.1, residues 369-389): NRAALFQHRP[Pro379=]GPFPIMGPEE

ClinVar aggregate classification (germline): Conflicting classifications of pathogenicity. Review status: criteria provided, conflicting classifications (1 of 4 stars). 6 submissions from 6 submitters: Uncertain significance (1); Benign (1); Likely benign (4). Last evaluated 2026-08-01.

Conditions:
Glycogen storage disease IXc (GSD9C). Also called: GSD IXc. Identifiers: Orphanet 264580, MedGen C2751643, MONDO:0013091, OMIM 613027.

Allele frequency attached by ClinVar (database versions not stated): 1000 Genomes Project 30x 0.00078; 1000 Genomes Project 0.00100; ExAC 0.00208; gnomAD exomes 0.00210 and 0.00401; TOPMed 0.00220; gnomAD 0.00224 and 0.00240; ESP Exome Variant Server 0.00331.
gnomAD v4.1: 6,176 of 1,612,272 alleles (0.38%); highest among the groups gnomAD compares: Non-Finnish European, 0.49%; 15 homozygotes.

Submissions (6):

CeGaT Center for Human Genetics Tuebingen
Classification: Likely benign. Last evaluated: 2026-08-01. Review status: criteria provided, single submitter. Criteria: CeGaT Center For Human Genetics Tuebingen Variant Classification Criteria Version 2. Collection method: clinical testing. Allele origin: germline. Affected: yes. Observed: 7 variant alleles.
Comment: PHKG2: BP4, BP7, BS2

Labcorp Genetics (formerly Invitae), Labcorp
Classification: Benign for Glycogen storage disease IXc. Last evaluated: 2026-02-02. Review status: criteria provided, single submitter. Criteria: Invitae Variant Classification Sherloc (09022015). Collection method: clinical testing. Allele origin: germline.

Blueprint Genetics
Classification: Likely benign. Last evaluated: 2024-11-15. Review status: criteria provided, single submitter. Criteria: ACMG Guidelines, 2015. Collection method: clinical testing. Allele origin: germline.

GeneDx
Classification: Likely benign. Last evaluated: 2019-02-25. Review status: criteria provided, single submitter. Criteria: GeneDx Variant Classification Process June 2021. Collection method: clinical testing. Allele origin: germline. Affected: yes.

Illumina Laboratory Services, Illumina
Classification: Uncertain significance for Glycogen storage disease IXc. Last evaluated: 2018-01-12. Review status: criteria provided, single submitter. Criteria: ICSL Variant Classification Criteria 13 December 2019. Collection method: clinical testing. Allele origin: germline.

PreventionGenetics, part of Exact Sciences
Classification: Likely benign. Review status: criteria provided, single submitter. Criteria: ACMG Guidelines, 2015. Collection method: clinical testing. Allele origin: germline.